The following is an entry in ClinVar:

NM_001351132.2(PEX5):c.1607A>G (p.Asn536Ser)

Gene: PEX5 (peroxisomal biogenesis factor 5; plus strand). Cytogenetic location: 12p13.31.
Variant type: single nucleotide variant.
Coding change: c.1607A>G on transcript NM_001351132.2 (MANE Select); coding-DNA position 1607, A replaced by G.
Protein change: p.Asn536Ser; replaces asparagine 536 with serine.
Molecular consequence: missense variant.
Genome position (GRCh38, 1-based): chr12:7,209,729, A>G. VCF-style: chr12-7209729-A-G. GRCh37 (hg19) VCF-style: chr12-7362325-A-G.
Other names: c.1583A>G, p.Asn528Ser (NM_000319.5); c.1652A>G, p.Asn551Ser (NM_001131023.2); c.1496A>G, p.Asn499Ser (NM_001131024.2, NM_001351124.3, NM_001351126.2 and 7 more transcripts); c.1607A>G, p.Asn536Ser (NM_001131025.2, NM_001131026.2, NM_001300789.3 and 4 more transcripts); c.1541A>G, p.Asn514Ser (NM_001351135.3, NM_001351138.2); c.1598A>G, p.Asn533Ser (NM_001351136.2); c.1472A>G, p.Asn491Ser (NM_001351139.2, NM_001351140.2, NM_001374649.2); short protein forms N499S, N514S, N528S, N533S, N536S, N551S, N491S.
Identifiers: ClinVar variation 884002 (VCV000884002.6), dbSNP rs749417845, ClinGen allele CA6426527.
Genomic context (GRCh38, chr12:7,209,729, plus strand): 5'-CATCCCTATCCCAGGACTATTTGCTGTGGAATAAGCTAGGCGCCACCCTGGCCAATGGAA[A>G]CCAGAGTGAAGAAGCAGTAGCTGCGTACCGCCGGGCCCTCGAGCTCCAGCCTGGCTATAT-3'
Protein context (NP_001338061.1, residues 526-546): NKLGATLANG[Asn536Ser]QSEEAVAAYR

ClinVar aggregate classification (germline): Uncertain significance. Review status: criteria provided, multiple submitters, no conflicts (2 of 4 stars). 2 submissions from 2 submitters: Uncertain significance (2). Last evaluated 2021-12-19.

Conditions:
Peroxisome biogenesis disorder 2A (Zellweger) (PBD2A). Also called: Cerebrohepatorenal syndrome, variant types. Identifiers: Orphanet 912, MedGen C3550273, MONDO:0008954, OMIM 214110.
Peroxisome biogenesis disorder 2B (PBD2B). Identifiers: Orphanet 44, MedGen C3550234, MONDO:0008736, OMIM 202370.

Allele frequency attached by ClinVar (database versions not stated): ExAC 0.00001; gnomAD 0.00001 and 0.00002; TOPMed 0.00001; gnomAD exomes 0.00004.
gnomAD v4.1: 53 of 1,465,650 alleles (0.0036%); highest among the groups gnomAD compares: Middle Eastern, 0.018%; no homozygotes.

Submissions (2):

Labcorp Genetics (formerly Invitae), Labcorp
Classification: Uncertain significance for Peroxisome biogenesis disorder 2B. Last evaluated: 2021-12-19. Review status: criteria provided, single submitter. Criteria: Invitae Variant Classification Sherloc (09022015). Collection method: clinical testing. Allele origin: germline.
Comment: This sequence change replaces asparagine, which is neutral and polar, with serine, which is neutral and polar, at codon 536 of the PEX5 protein (p.Asn536Ser). This variant is present in population databases (rs749417845, gnomAD 0.007%). This variant has not been reported in the literature in individuals affected with PEX5-related conditions. ClinVar contains an entry for this variant (Variation ID: 884002). Algorithms developed to predict the effect of missense changes on protein structure and function (SIFT, PolyPhen-2, Align-GVGD) all suggest that this variant is likely to be tolerated. In summary, the available evidence is currently insufficient to determine the role of this variant in disease. Therefore, it has been classified as a Variant of Uncertain Significance.

Illumina Laboratory Services, Illumina
Classification: Uncertain significance for Peroxisome biogenesis disorder 2A (Zellweger). Last evaluated: 2018-01-12. Review status: criteria provided, single submitter. Criteria: ICSL Variant Classification Criteria 13 December 2019. Collection method: clinical testing. Allele origin: germline.